The following is an entry in ClinVar:

NM_020533.3(MCOLN1):c.1108A>G (p.Ile370Val)

Gene: MCOLN1 (mucolipin TRP cation channel 1; plus strand). Cytogenetic location: 19p13.2.
Variant type: single nucleotide variant.
Coding change: c.1108A>G on transcript NM_020533.3 (MANE Select); coding-DNA position 1108, A replaced by G.
Protein change: p.Ile370Val; replaces isoleucine 370 with valine.
Molecular consequence: missense variant.
Genome position (GRCh38, 1-based): chr19:7,528,944, A>G. VCF-style: chr19-7528944-A-G. GRCh37 (hg19) VCF-style: chr19-7593830-A-G.
Other names: short protein forms I370V.
Identifiers: ClinVar variation 1442808 (VCV001442808.5), dbSNP rs769051317, ClinGen allele CA9139027.

ClinVar aggregate classification (germline): Uncertain significance (1 of 4 stars; one submission).

Conditions:
Mucolipidosis type IV (ML4). Also called: ML IV. Identifiers: Orphanet 578, MedGen C0238286, MONDO:0009653, OMIM 252650.

Allele frequency attached by ClinVar (database versions not stated): gnomAD exomes below 0.00001; ExAC 0.00001; TOPMed 0.00001.
gnomAD v4.1: 3 of 1,614,160 alleles (0.00019%); highest among the groups gnomAD compares: Non-Finnish European, 0.00025%; no homozygotes.

Submission:

Labcorp Genetics (formerly Invitae), Labcorp
Classification: Uncertain significance for Mucolipidosis type IV. Last evaluated: 2021-10-04. Review status: criteria provided, single submitter. Criteria: Invitae Variant Classification Sherloc (09022015). Collection method: clinical testing. Allele origin: germline.
Comment: This variant has not been reported in the literature in individuals affected with MCOLN1-related conditions. Algorithms developed to predict the effect of missense changes on protein structure and function output the following: SIFT: "Tolerated"; PolyPhen-2: "Benign"; Align-GVGD: "Class C0". The valine amino acid residue is found in multiple mammalian species, which suggests that this missense change does not adversely affect protein function. In summary, the available evidence is currently insufficient to determine the role of this variant in disease. Therefore, it has been classified as a Variant of Uncertain Significance. This sequence change replaces isoleucine with valine at codon 370 of the MCOLN1 protein (p.Ile370Val). The isoleucine residue is moderately conserved and there is a small physicochemical difference between isoleucine and valine. This variant is present in population databases (rs769051317, ExAC 0.002%).